The following is an entry in ClinVar:

ClinVar aggregate classification (germline): Uncertain significance (1 of 4 stars; one submission).

Conditions:
Hereditary cancer-predisposing syndrome. Also called: Tumor predisposition; Hereditary Cancer Syndrome; Neoplastic Syndromes, Hereditary; Hereditary neoplastic syndrome. Identifiers: Orphanet 140162, MedGen C0027672, MeSH D009386, MONDO:0015356.

Submission:

Ambry Genetics
Classification: Uncertain significance for Hereditary cancer-predisposing syndrome. Last evaluated: 2024-10-15. Review status: criteria provided, single submitter. Criteria: Ambry Variant Classification Scheme 2023. Collection method: clinical testing. Allele origin: germline.
Comment: The p.T8I variant (also known as c.23C>T), located in coding exon 1 of the CDKN2A (p14ARF) gene, results from a C to T substitution at nucleotide position 23. The threonine at codon 8 is replaced by isoleucine, an amino acid with similar properties. This amino acid position is highly conserved in available vertebrate species. Based on the available evidence, the clinical significance of this variant remains unclear.

NM_058195.4(CDKN2A):c.23C>T (p.Thr8Ile)

Gene: CDKN2A (cyclin dependent kinase inhibitor 2A; minus strand). Cytogenetic location: 9p21.3.
Variant type: single nucleotide variant.
Coding change: c.23C>T on transcript NM_058195.4 (MANE Plus Clinical); coding-DNA position 23, C replaced by T.
Protein change: p.Thr8Ile; replaces threonine 8 with isoleucine.
Molecular consequence: missense variant. On other transcripts: intron variant (1).
Genome position (GRCh38, 1-based): chr9:21,994,309, G>A on the plus strand (C>T on the coding strand, the complement: CDKN2A is on the minus strand). VCF-style: chr9-21994309-G-A. GRCh37 (hg19) VCF-style: chr9-21994308-G-A.
Other names: c.-4+512C>T (NM_001363763.2); short protein forms T8I.
Identifiers: ClinVar variation 3489654 (VCV003489654.1).
Genomic context (GRCh38, chr9:21,994,309, plus strand): 5'-GGGATGTGAACCACGAAAACCCTCACTCGCGGCGGGCCGCACGCGCGCCGAATCCGGAGG[G>A]TCACCAAGAACCTGCGCACCATGTTCTCGCCGCCTCCAGGGCCGAGCTCGGCAGCCGCTG-3'
Protein context (NP_478102.2, residues 1-18): MVRRFLV[Thr8Ile]LRIRRACGPP